The following is an entry in ClinVar:

NM_000044.6(AR):c.2450-42G>A

Gene: AR (androgen receptor; plus strand). Cytogenetic location: Xq12.
Variant type: single nucleotide variant.
Coding change: c.2450-42G>A on transcript NM_000044.6 (MANE Select); 42 bases into the intron before coding-DNA position 2450, G replaced by A.
Molecular consequence: intron variant.
Genome position (GRCh38, 1-based): chrX:67,722,785, G>A. VCF-style: chrX-67722785-G-A. GRCh37 (hg19) VCF-style: chrX-66942627-G-A.
Other names: c.854-42G>A (NM_001011645.3).
Identifiers: ClinVar variation 1207735 (VCV001207735.5), dbSNP rs2147537479, ClinGen allele CA2499226803.
Genomic context (GRCh38, chrX:67,722,785, plus strand): 5'-TGGGGGTGGGGGTCAAGTCTGTGGTCAGAAAACTTGGTGCTTTGTCTAATGCTCCTTCGT[G>A]GGCATGCTTCCCCTCCCCATTCTGTCTTCATCCCACATCAGTTCCAGTGGATGGGCTGAA-3'

ClinVar aggregate classification (germline): Likely pathogenic (1 of 4 stars; one submission).

Submission:

GeneDx
Classification: Likely pathogenic. Last evaluated: 2023-01-18. Review status: criteria provided, single submitter. Criteria: GeneDx Variant Classification Process June 2021. Collection method: clinical testing. Allele origin: germline. Affected: yes.
Comment: Non-canonical splice site variant demonstrated to result in loss-of-function (Ono et al., 2018); In silico analysis supports a deleterious effect on splicing; Not observed in large population cohorts (gnomAD); This variant is associated with the following publications: (PMID: 35974208, 32345305, 34766490, 29396419)